The following is an entry in ClinVar:

NM_145178.4(ATOH7):c.5A>T (p.Lys2Met)

Gene: ATOH7 (atonal bHLH transcription factor 7; minus strand). Cytogenetic location: 10q21.3.
Variant type: single nucleotide variant.
Coding change: c.5A>T on transcript NM_145178.4 (MANE Select); coding-DNA position 5, A replaced by T.
Protein change: p.Lys2Met; replaces lysine 2 with methionine.
Molecular consequence: missense variant.
Genome position (GRCh38, 1-based): chr10:68,231,673, T>A on the plus strand (A>T on the coding strand, the complement: ATOH7 is on the minus strand). VCF-style: chr10-68231673-T-A. GRCh37 (hg19) VCF-style: chr10-69991430-T-A.
Other names: short protein forms K2M.
Identifiers: ClinVar variation 949121 (VCV000949121.9), dbSNP rs2044028728, ClinGen allele CA376838179.
Genomic context (GRCh38, chr10:68,231,673, plus strand): 5'-CCGCCCGCGCACGGGGGTGCAACGCGCGCTCCCGCCGGCGGGCCGCTGGGCTTGCAGGAC[T>A]TCATCCCCGGCCCCAAGCAGCGAGGCGCCGACCTCGCACGCCCGCCCGCTCAGGACCTGC-3'
Protein context (NP_660161.1, residues 1-12): M[Lys2Met]SCKPSGPPAG

ClinVar aggregate classification (germline): Uncertain significance (1 of 4 stars; one submission).

Submission:

Labcorp Genetics (formerly Invitae), Labcorp
Classification: Uncertain significance. Last evaluated: 2019-10-03. Review status: criteria provided, single submitter. Criteria: Invitae Variant Classification Sherloc (09022015). Collection method: clinical testing. Allele origin: germline.
Comment: In summary, the available evidence is currently insufficient to determine the role of this variant in disease. Therefore, it has been classified as a Variant of Uncertain Significance. Algorithms developed to predict the effect of missense changes on protein structure and function are either unavailable or do not agree on the potential impact of this missense change (SIFT: "Deleterious"; PolyPhen-2: "Possibly Damaging"; Align-GVGD: "Class C0"). This variant has not been reported in the literature in individuals with ATOH7-related conditions. The frequency data for this variant in the population databases is considered unreliable, as metrics indicate insufficient coverage at this position in the ExAC database. This sequence change replaces lysine with methionine at codon 2 of the ATOH7 protein (p.Lys2Met). The lysine residue is highly conserved and there is a moderate physicochemical difference between lysine and methionine.